The following is an entry in ClinVar:

ClinVar aggregate classification (germline): Uncertain significance (1 of 4 stars; one submission).

Submission:

Labcorp Genetics (formerly Invitae), Labcorp
Classification: Uncertain significance. Last evaluated: 2025-04-17. Review status: criteria provided, single submitter. Criteria: Invitae Variant Classification Sherloc (09022015). Collection method: clinical testing. Allele origin: germline.
Comment: This sequence change replaces proline, which is neutral and non-polar, with serine, which is neutral and polar, at codon 853 of the HIVEP2 protein (p.Pro853Ser). This variant is not present in population databases (gnomAD no frequency). This variant has not been reported in the literature in individuals affected with HIVEP2-related conditions. Invitae Evidence Modeling of protein sequence and biophysical properties (such as structural, functional, and spatial information, amino acid conservation, physicochemical variation, residue mobility, and thermodynamic stability) indicates that this missense variant is not expected to disrupt HIVEP2 protein function with a negative predictive value of 80%. In summary, the available evidence is currently insufficient to determine the role of this variant in disease. Therefore, it has been classified as a Variant of Uncertain Significance.

NM_006734.4(HIVEP2):c.2557C>T (p.Pro853Ser)

Gene: HIVEP2 (HIVEP zinc finger 2; minus strand). Cytogenetic location: 6q24.2.
Variant type: single nucleotide variant.
Coding change: c.2557C>T on transcript NM_006734.4 (MANE Select); coding-DNA position 2557, C replaced by T.
Protein change: p.Pro853Ser; replaces proline 853 with serine.
Molecular consequence: missense variant.
Genome position (GRCh38, 1-based): chr6:142,772,182, G>A on the plus strand (C>T on the coding strand, the complement: HIVEP2 is on the minus strand). VCF-style: chr6-142772182-G-A. GRCh37 (hg19) VCF-style: chr6-143093319-G-A.
Other names: c.2557C>T, p.Pro853Ser (NM_001438449.1, NM_001438450.1, NM_001438451.1); short protein forms P853S.
Identifiers: ClinVar variation 4765660 (VCV004765660.1).